The following is an entry in ClinVar:

ClinVar aggregate classification (germline): Uncertain significance (1 of 4 stars; one submission).

gnomAD v4.1: 1 of 1,614,138 alleles (0.000062%); highest among the groups gnomAD compares: Non-Finnish European, 0.000085%; no homozygotes.

Submission:

Labcorp Genetics (formerly Invitae), Labcorp
Classification: Uncertain significance. Last evaluated: 2024-05-26. Review status: criteria provided, single submitter. Criteria: Invitae Variant Classification Sherloc (09022015). Collection method: clinical testing. Allele origin: germline.
Comment: This sequence change replaces valine, which is neutral and non-polar, with isoleucine, which is neutral and non-polar, at codon 1284 of the FAT4 protein (p.Val1284Ile). This variant is not present in population databases (gnomAD no frequency). This variant has not been reported in the literature in individuals affected with FAT4-related conditions. Advanced modeling of protein sequence and biophysical properties (such as structural, functional, and spatial information, amino acid conservation, physicochemical variation, residue mobility, and thermodynamic stability) performed at Invitae indicates that this missense variant is not expected to disrupt FAT4 protein function with a negative predictive value of 95%. In summary, the available evidence is currently insufficient to determine the role of this variant in disease. Therefore, it has been classified as a Variant of Uncertain Significance.

NM_001291303.3(FAT4):c.3850G>A (p.Val1284Ile)

Gene: FAT4 (FAT atypical cadherin 4; plus strand). Cytogenetic location: 4q28.1.
Variant type: single nucleotide variant.
Coding change: c.3850G>A on transcript NM_001291303.3 (MANE Select); coding-DNA position 3850, G replaced by A.
Protein change: p.Val1284Ile; replaces valine 1284 with isoleucine.
Molecular consequence: missense variant.
Genome position (GRCh38, 1-based): chr4:125,320,261, G>A. VCF-style: chr4-125320261-G-A. GRCh37 (hg19) VCF-style: chr4-126241416-G-A.
Other names: c.3850G>A, p.Val1284Ile (NM_001291285.3, NM_024582.6); short protein forms V1284I.
Identifiers: ClinVar variation 3676567 (VCV003676567.2).